The following is an entry in ClinVar:

ClinVar aggregate classification (germline): Uncertain significance. Review status: criteria provided, multiple submitters, no conflicts (2 of 4 stars). 3 submissions from 3 submitters: Uncertain significance (3). Last evaluated 2025-02-22.

Conditions:
Walker-Warburg congenital muscular dystrophy. Also called: Muscular dystrophy-dystroglycanopathy, type A; Walker-Warburg syndrome. Identifiers: Orphanet 899, MedGen C0265221, MONDO:0000171.
Cardiovascular phenotype. Identifiers: MedGen CN230736.
Muscular dystrophy-dystroglycanopathy (congenital with brain and eye anomalies), type A1 (MDDGA1). Also called: Hydrocephalus, agyria and retinal dysplasia; Hard +/- E syndrome; Warburg syndrome; Chemke syndrome; Pagon syndrome; Cerebroocular dysgenesis. Identifiers: Orphanet 588, Orphanet 899, MedGen C4284790, MONDO:0009364, OMIM 236670.
Muscular dystrophy-dystroglycanopathy (congenital with brain and eye anomalies), type A5. Also called: MUSCULAR DYSTROPHY-DYSTROGLYCANOPATHY (CONGENITAL WITH BRAIN AND EYE ANOMALIES), TYPE A, 5; WALKER-WARBURG SYNDROME OR MUSCLE-EYE-BRAIN DISEASE, FKRP-RELATED. Identifiers: Orphanet 588, Orphanet 899, MedGen C3150413, MONDO:0013157, OMIM 613153.
Muscular dystrophy-dystroglycanopathy type B5 (MDDGB5). Also called: MUSCULAR DYSTROPHY, CONGENITAL, 1C; MUSCULAR DYSTROPHY, CONGENITAL, FKRP-RELATED; MUSCULAR DYSTROPHY-DYSTROGLYCANOPATHY (CONGENITAL WITH OR WITHOUT IMPAIRED INTELLECTUAL DEVELOPMENT), TYPE B, 5. Identifiers: MedGen C1847759, MONDO:0011688, OMIM 606612.
Autosomal recessive limb-girdle muscular dystrophy type 2I. Also called: MUSCULAR DYSTROPHY, LIMB-GIRDLE, TYPE 2I; MUSCULAR DYSTROPHY-DYSTROGLYCANOPATHY, LIMB-GIRDLE, FRKP-RELATED; MUSCULAR DYSTROPHY-DYSTROGLYCANOPATHY (LIMB-GIRDLE), TYPE C, 5. Identifiers: Orphanet 34515, MedGen C1846672, MONDO:0011787, OMIM 607155.

Submissions (3):

Ambry Genetics
Classification: Uncertain significance for Cardiovascular phenotype. Last evaluated: 2025-02-22. Review status: criteria provided, single submitter. Criteria: Ambry Variant Classification Scheme 2023. Collection method: clinical testing. Allele origin: germline.
Comment: The p.E310Q variant (also known as c.928G>C), located in coding exon 1 of the FKRP gene, results from a G to C substitution at nucleotide position 928. The glutamic acid at codon 310 is replaced by glutamine, an amino acid with highly similar properties. This amino acid position is conserved. In addition, this alteration is predicted to be tolerated by in silico analysis. Based on the available evidence, the clinical significance of this variant remains unclear.

Labcorp Genetics (formerly Invitae), Labcorp
Classification: Uncertain significance for Walker-Warburg congenital muscular dystrophy. Last evaluated: 2022-07-20. Review status: criteria provided, single submitter. Criteria: Invitae Variant Classification Sherloc (09022015). Collection method: clinical testing. Allele origin: germline.
Comment: This sequence change replaces glutamic acid, which is acidic and polar, with glutamine, which is neutral and polar, at codon 310 of the FKRP protein (p.Glu310Gln). This variant is present in population databases (rs765885747, gnomAD 0.03%). This variant has not been reported in the literature in individuals affected with FKRP-related conditions. ClinVar contains an entry for this variant (Variation ID: 1401035). Algorithms developed to predict the effect of missense changes on protein structure and function (SIFT, PolyPhen-2, Align-GVGD) all suggest that this variant is likely to be tolerated. In summary, the available evidence is currently insufficient to determine the role of this variant in disease. Therefore, it has been classified as a Variant of Uncertain Significance.

Fulgent Genetics
Classification: Uncertain significance for Muscular dystrophy-dystroglycanopathy (congenital with brain and eye anomalies), type A1; Muscular dystrophy-dystroglycanopathy type B5; Autosomal recessive limb-girdle muscular dystrophy type 2I; Muscular dystrophy-dystroglycanopathy (congenital with brain and eye anomalies), type A5. Last evaluated: 2021-10-14. Review status: criteria provided, single submitter. Criteria: ACMG Guidelines, 2015. Collection method: clinical testing. Allele origin: unknown.

NM_024301.5(FKRP):c.928G>C (p.Glu310Gln)

Gene: FKRP (fukutin related protein; plus strand). Cytogenetic location: 19q13.32.
Variant type: single nucleotide variant.
Coding change: c.928G>C on transcript NM_024301.5 (MANE Select); coding-DNA position 928, G replaced by C.
Protein change: p.Glu310Gln; replaces glutamic acid 310 with glutamine.
Molecular consequence: missense variant.
Genome position (GRCh38, 1-based): chr19:46,756,378, G>C. VCF-style: chr19-46756378-G-C. GRCh37 (hg19) VCF-style: chr19-47259635-G-C.
Other names: c.928G>C, p.Glu310Gln (NM_001039885.3); c.928G>C (NM_024301.4); short protein forms E310Q.
Identifiers: ClinVar variation 1401035 (VCV001401035.5), dbSNP rs765885747, ClinGen allele CA9532211.
Genomic context (GRCh38, chr19:46,756,378, plus strand): 5'-AACAAGGAGACCACGCGCTGCTTCGGAACCGTGGTGGGCGACACGCCCGCCTACCTCTAC[G>C]AGGAGCGCTGGACGCCCCCCTGCTGCCTGCGCGCGCTGCGCGAGACCGCCCGCTATGTGG-3'
Protein context (NP_077277.1, residues 300-320): VVGDTPAYLY[Glu310Gln]ERWTPPCCLR